The following is an entry in ClinVar:

NM_004614.5(TK2):c.322A>G (p.Thr108Ala)

Gene: TK2 (thymidine kinase 2; minus strand). Cytogenetic location: 16q21.
Variant type: single nucleotide variant.
Coding change: c.322A>G on transcript NM_004614.5 (MANE Select); coding-DNA position 322, A replaced by G.
Protein change: p.Thr108Ala; replaces threonine 108 with alanine.
Molecular consequence: missense variant. On other transcripts: non-coding transcript variant (1).
Genome position (GRCh38, 1-based): chr16:66,531,433, T>C on the plus strand (A>G on the coding strand, the complement: TK2 is on the minus strand). VCF-style: chr16-66531433-T-C. GRCh37 (hg19) VCF-style: chr16-66565336-T-C.
Other names: c.229A>G, p.Thr77Ala (NM_001172643.1, NM_001271935.1); c.247A>G, p.Thr83Ala (NM_001172644.2); c.268A>G, p.Thr90Ala (NM_001172645.2); c.175A>G, p.Thr59Ala (NM_001271934.2); c.31A>G, p.Thr11Ala (NM_001272050.2); short protein forms T108A, T77A, T11A, T83A, T59A, T90A.
Identifiers: ClinVar variation 1515445 (VCV001515445.8), dbSNP rs1965109644, ClinGen allele CA396190627.

ClinVar aggregate classification (germline): Uncertain significance (1 of 4 stars; one submission).

Allele frequency attached by ClinVar (database versions not stated): TOPMed 0.00001.

Submission:

Labcorp Genetics (formerly Invitae), Labcorp
Classification: Uncertain significance. Last evaluated: 2021-03-10. Review status: criteria provided, single submitter. Criteria: Invitae Variant Classification Sherloc (09022015). Collection method: clinical testing. Allele origin: germline.
Comment: In summary, the available evidence is currently insufficient to determine the role of this variant in disease. Therefore, it has been classified as a Variant of Uncertain Significance. This variant disrupts the p.Thr108 amino acid residue in TK2. Other variant(s) that disrupt this residue have been determined to be pathogenic (PMID: 12391347, 28812460, 15639197, 12873860). This suggests that this residue is clinically significant, and that variants that disrupt this residue are likely to be disease-causing Algorithms developed to predict the effect of missense changes on protein structure and function (SIFT, PolyPhen-2, Align-GVGD) all suggest that this variant is likely to be tolerated, but these predictions have not been confirmed by published functional studies and their clinical significance is uncertain. This variant has not been reported in the literature in individuals with TK2-related conditions. This variant is not present in population databases (ExAC no frequency). This sequence change replaces threonine with alanine at codon 108 of the TK2 protein (p.Thr108Ala). The threonine residue is highly conserved and there is a small physicochemical difference between threonine and alanine.

Literature cited by the submitters: PubMed 12391347; PubMed 28812460; PubMed 15639197; PubMed 12873860.